The following is an entry in ClinVar:

NM_006231.4(POLE):c.179C>T (p.Thr60Ile)

Gene: POLE (DNA polymerase epsilon, catalytic subunit; minus strand). Cytogenetic location: 12q24.33.
Variant type: single nucleotide variant.
Coding change: c.179C>T on transcript NM_006231.4 (MANE Select); coding-DNA position 179, C replaced by T.
Protein change: p.Thr60Ile; replaces threonine 60 with isoleucine.
Molecular consequence: missense variant.
Genome position (GRCh38, 1-based): chr12:132,681,163, G>A on the plus strand (C>T on the coding strand, the complement: POLE is on the minus strand). VCF-style: chr12-132681163-G-A. GRCh37 (hg19) VCF-style: chr12-133257749-G-A.
Other names: short protein forms T60I.
Identifiers: ClinVar variation 863703 (VCV000863703.16), dbSNP rs772684226, ClinGen allele CA6894426.

ClinVar aggregate classification (germline): Conflicting classifications of pathogenicity. Review status: criteria provided, conflicting classifications (1 of 4 stars). 5 submissions from 5 submitters: Uncertain significance (4); Likely benign (1). Last evaluated 2025-04-01.

Conditions:
Intrauterine growth retardation, metaphyseal dysplasia, adrenal hypoplasia congenita, genital anomalies, and immunodeficiency. Also called: IMAGEI SYNDROME. Identifiers: MedGen C5193036, MONDO:0032684, OMIM 618336.
Colorectal cancer, susceptibility to, 12 (CRCS12). Also called: COLORECTAL CANCER, SUSCEPTIBILITY TO, ON CHROMOSOME 12q24. Identifiers: Orphanet 220460, MedGen C3554460, MONDO:0014038, OMIM 615083.
Facial dysmorphism-immunodeficiency-livedo-short stature syndrome. Also called: FILS syndrome; Facial dysmorphism, immunodeficiency, livedo, and short stature. Identifiers: Orphanet 352712, MedGen C3554576, MONDO:0014058, OMIM 615139.
Hereditary cancer-predisposing syndrome. Also called: Hereditary Cancer Syndrome; Tumor predisposition; Neoplastic Syndromes, Hereditary; Hereditary neoplastic syndrome. Identifiers: Orphanet 140162, MedGen C0027672, MeSH D009386, MONDO:0015356.

Allele frequency attached by ClinVar (database versions not stated): gnomAD 0.00006; ExAC 0.00007; TOPMed below 0.00001; gnomAD exomes 0.00005.
gnomAD v4.1: 43 of 1,614,010 alleles (0.0027%); highest among the groups gnomAD compares: Non-Finnish European, 0.00017%; no homozygotes.

Submissions (5):

Ambry Genetics
Classification: Likely benign for Hereditary cancer-predisposing syndrome. Last evaluated: 2025-04-01. Review status: criteria provided, single submitter. Criteria: Ambry Variant Classification Scheme 2023. Collection method: clinical testing. Allele origin: germline.

Labcorp Genetics (formerly Invitae), Labcorp
Classification: Uncertain significance. Last evaluated: 2024-10-02. Review status: criteria provided, single submitter. Criteria: Invitae Variant Classification Sherloc (09022015). Collection method: clinical testing. Allele origin: germline.
Comment: This sequence change replaces threonine, which is neutral and polar, with isoleucine, which is neutral and non-polar, at codon 60 of the POLE protein (p.Thr60Ile). This variant is present in population databases (rs772684226, gnomAD 0.03%). This variant has not been reported in the literature in individuals affected with POLE-related conditions. ClinVar contains an entry for this variant (Variation ID: 863703). Invitae Evidence Modeling of protein sequence and biophysical properties (such as structural, functional, and spatial information, amino acid conservation, physicochemical variation, residue mobility, and thermodynamic stability) indicates that this missense variant is not expected to disrupt POLE protein function with a negative predictive value of 80%. Algorithms developed to predict the effect of sequence changes on RNA splicing suggest that this variant may disrupt the consensus splice site. In summary, the available evidence is currently insufficient to determine the role of this variant in disease. Therefore, it has been classified as a Variant of Uncertain Significance.

GeneDx
Classification: Uncertain significance. Last evaluated: 2024-04-11. Review status: criteria provided, single submitter. Criteria: GeneDx Variant Classification Process June 2021. Collection method: clinical testing. Allele origin: germline. Affected: yes.
Comment: In silico analysis indicates that this missense variant does not alter protein structure/function; Has not been previously published as pathogenic or benign to our knowledge

Blueprint Genetics
Classification: Uncertain significance. Last evaluated: 2024-04-02. Review status: criteria provided, single submitter. Criteria: ACMG Guidelines, 2015. Collection method: clinical testing. Allele origin: germline.

Department of Pathology and Laboratory Medicine, Sinai Health System
Classification: Uncertain significance for Colorectal cancer, susceptibility to, 12; Facial dysmorphism-immunodeficiency-livedo-short stature syndrome; Intrauterine growth retardation, metaphyseal dysplasia, adrenal hypoplasia congenita, genital anomalies, and immunodeficiency. Last evaluated: 2022-05-31. Review status: criteria provided, single submitter. Criteria: ACMG Guidelines, 2015. Collection method: clinical testing. Allele origin: germline. Affected: no.